The following is an entry in ClinVar:

ClinVar aggregate classification (germline): Benign (1 of 4 stars; one submission).

Allele frequency attached by ClinVar (database versions not stated): gnomAD exomes 0.17367; gnomAD 0.27236; TOPMed 0.30475; 1000 Genomes Project 0.37987; 1000 Genomes Project 30x 0.38959.
gnomAD v4.1: 204,239 of 1,107,988 alleles (18%); highest among the groups gnomAD compares: African/African-American, 52%; 18,066 homozygotes.

Submission:

Unidad de Genómica Garrahan, Hospital de Pediatría Garrahan
Classification: Benign. Last evaluated: 2024-01-24. Review status: criteria provided, single submitter. Criteria: ACMG Guidelines, 2015. Collection method: clinical testing. Allele origin: germline. Affected: no. Observed: 39 variant alleles.
Comment: This variant is classified as Benign based on local population frequency. This variant was detected in 41% of patients studied by a panel of primary immunodeficiencies. Number of patients: 39. Only high quality variants are reported.

NM_000206.3(IL2RG):c.270-58A>G

Gene: IL2RG (interleukin 2 receptor subunit gamma; minus strand). Cytogenetic location: Xq13.1.
Variant type: single nucleotide variant.
Coding change: c.270-58A>G on transcript NM_000206.3 (MANE Select); 58 bases into the intron before coding-DNA position 270, A replaced by G.
Molecular consequence: intron variant.
Genome position (GRCh38, 1-based): chrX:71,110,746, T>C on the plus strand (A>G on the coding strand, the complement: IL2RG is on the minus strand). VCF-style: chrX-71110746-T-C. GRCh37 (hg19) VCF-style: chrX-70330596-T-C.
Identifiers: ClinVar variation 2688184 (VCV002688184.2), dbSNP rs11574625, ClinGen allele CA330970349.